The following is an entry in ClinVar:

ClinVar aggregate classification (germline): Likely pathogenic (1 of 4 stars; one submission).

Submission:

Dasa
Classification: Likely pathogenic. Last evaluated: 2025-11-05. Review status: criteria provided, single submitter. Criteria: DASA Assertion Criteria. Collection method: clinical testing. Allele origin: germline.
Comment: NM_001287491.2(TET3):c.4508del (p.His1503Profs*28) is a frameshift variant in TET3 predicted to alter the reading frame and introduce a premature termination codon and is predicted to result in an absent or altered protein product. Loss of function is an established disease mechanism for TET3-associated disorders. Also, this variant is absent from population databases. Based on the currently available evidence, this variant is classified as likely pathogenic.

NM_001287491.2(TET3):c.4508del (p.His1503fs)

Gene: TET3 (tet methylcytosine dioxygenase 3; plus strand). Cytogenetic location: 2p13.1.
Variant type: Deletion.
Coding change: c.4508del on transcript NM_001287491.2 (MANE Select); coding-DNA position 4508, one base deleted (A; older notation c.4508delA).
Protein change: p.His1503fs; shifts the reading frame from histidine 1503.
Molecular consequence: frameshift variant.
Genome position (GRCh38, 1-based): chr2:74,101,296, A deleted. VCF-style (leftmost placement, unchanged base first): chr2-74101295-CA-C. GRCh37 (hg19) VCF-style: chr2-74328422-CA-C.
Other names: c.4229del, p.His1410fs (NM_001366022.1); short protein forms H1410fs, H1503fs.
Identifiers: ClinVar variation 4880531 (VCV004880531.2).